The following is an entry in ClinVar:

NM_000179.3(MSH6):c.4064_4065insGTCA (p.Leu1356fs)

Gene: MSH6 (mutS homolog 6; plus strand). Cytogenetic location: 2p16.3.
Variant type: Insertion.
Coding change: c.4064_4065insGTCA on transcript NM_000179.3 (MANE Select); coding-DNA positions 4064 to 4065, GTCA inserted.
Protein change: p.Leu1356fs; shifts the reading frame from leucine 1356.
Molecular consequence: frameshift variant.
Genome position: GRCh38 VCF-style: chr2-47806841-C-CGTCA. GRCh37 (hg19) VCF-style: chr2-48033980-C-CGTCA.
Other names: c.3674_3675insGTCA, p.Leu1226fs (NM_001281492.2); c.3158_3159insGTCA, p.Leu1054fs (NM_001281493.2, NM_001281494.2); short protein forms L1054fs, L1226fs, L1356fs.
Identifiers: ClinVar variation 89517 (VCV000089517.2), dbSNP rs267608141, ClinGen allele CA015374.

ClinVar aggregate classification (germline): Uncertain significance (3 of 4 stars; one submission).

Conditions:
Lynch syndrome. Identifiers: Orphanet 144, MedGen C4552100, MONDO:0005835. Disease mechanism: loss of function.

Submission:

International Society for Gastrointestinal Hereditary Tumours (InSiGHT)
Classification: Uncertain significance for Lynch syndrome. Last evaluated: 2019-06-21. Review status: reviewed by expert panel. Criteria: Guidelines v2.4. Collection method: curation. Allele origin: germline. Affected: yes.
Comment: Insufficient evidence: MAF >1%, but insufficient controls tested; Frameshift in Last exon of MSH6 = VUS